The following is an entry in ClinVar:

ClinVar aggregate classification (germline): Uncertain significance (1 of 4 stars; one submission).

Allele frequency attached by ClinVar (database versions not stated): gnomAD exomes below 0.00001.
gnomAD v4.1: 3 of 1,614,198 alleles (0.00019%); highest among the groups gnomAD compares: South Asian, 0.0011%; no homozygotes.

Submission:

Labcorp Genetics (formerly Invitae), Labcorp
Classification: Uncertain significance. Last evaluated: 2024-10-23. Review status: criteria provided, single submitter. Criteria: Invitae Variant Classification Sherloc (09022015). Collection method: clinical testing. Allele origin: germline.
Comment: This sequence change replaces glutamic acid, which is acidic and polar, with glycine, which is neutral and non-polar, at codon 1076 of the DNAH9 protein (p.Glu1076Gly). This variant is not present in population databases (gnomAD no frequency). This variant has not been reported in the literature in individuals affected with DNAH9-related conditions. ClinVar contains an entry for this variant (Variation ID: 1964393). Invitae Evidence Modeling of protein sequence and biophysical properties (such as structural, functional, and spatial information, amino acid conservation, physicochemical variation, residue mobility, and thermodynamic stability) has been performed for this missense variant. However, the output from this modeling did not meet the statistical confidence thresholds required to predict the impact of this variant on DNAH9 protein function. In summary, the available evidence is currently insufficient to determine the role of this variant in disease. Therefore, it has been classified as a Variant of Uncertain Significance.

NM_001372.4(DNAH9):c.3227A>G (p.Glu1076Gly)

Genes: DNAH9 (dynein axonemal heavy chain 9; plus strand), LOC126862505 (BRD4-independent group 4 enhancer GRCh37_chr17:11572478-11573677; plus strand). Cytogenetic location: 17p12.
Variant type: single nucleotide variant.
Coding change: c.3227A>G on transcript NM_001372.4 (MANE Select); coding-DNA position 3227, A replaced by G.
Protein change: p.Glu1076Gly; replaces glutamic acid 1076 with glycine.
Molecular consequence: missense variant.
Genome position (GRCh38, 1-based): chr17:11,669,668, A>G. VCF-style: chr17-11669668-A-G. GRCh37 (hg19) VCF-style: chr17-11572985-A-G.
Other names: short protein forms E1076G.
Identifiers: ClinVar variation 1964393 (VCV001964393.3), dbSNP rs1567706379, ClinGen allele CA398182885.